The following is an entry in ClinVar:

ClinVar aggregate classification (germline): Uncertain significance (1 of 4 stars; one submission).

Submission:

Ambry Genetics
Classification: Uncertain significance. Last evaluated: 2024-05-26. Review status: criteria provided, single submitter. Criteria: Ambry Variant Classification Scheme 2023. Collection method: clinical testing. Allele origin: germline.
Comment: The p.D28E variant (also known as c.84C>A), located in coding exon 1 of the FAM175A gene, results from a C to A substitution at nucleotide position 84. The aspartic acid at codon 28 is replaced by glutamic acid, an amino acid with highly similar properties. This amino acid position is conserved. In addition, the in silico prediction for this alteration is inconclusive. Based on the available evidence, the clinical significance of this variant remains unclear.

NM_139076.3(ABRAXAS1):c.84C>A (p.Asp28Glu)

Genes: ABRAXAS1 (abraxas 1, BRCA1 A complex subunit; minus strand), LOC129992784 (ATAC-STARR-seq lymphoblastoid silent region 15542; plus strand). Cytogenetic location: 4q21.23.
Variant type: single nucleotide variant.
Coding change: c.84C>A on transcript NM_139076.3 (MANE Select); coding-DNA position 84, C replaced by A.
Protein change: p.Asp28Glu; replaces aspartic acid 28 with glutamic acid.
Molecular consequence: missense variant. On other transcripts: 5 prime UTR variant (1).
Genome position (GRCh38, 1-based): chr4:83,484,989, G>T on the plus strand (C>A on the coding strand, the complement: ABRAXAS1 is on the minus strand). VCF-style: chr4-83484989-G-T. GRCh37 (hg19) VCF-style: chr4-84406142-G-T.
Other names: c.-177C>A (NM_001345962.2); short protein forms D28E.
Identifiers: ClinVar variation 3334761 (VCV003334761.1).
Genomic context (GRCh38, chr4:83,484,989, plus strand): 5'-GCCGCGCGCAGGGCTCTTCCCAGGCGACGCCGGACCCCGCCCCGTCCCTCGGCTCACCGT[G>T]TCCGAGTCCGTGTTGAGGTGCTGGAAAGCGAGTGCGCCGAGCACAAAGCCCGAGAGCACC-3'
Protein context (NP_620775.2, residues 18-38): LAFQHLNTDS[Asp28Glu]TEGFLLGEVK